The following is an entry in ClinVar:

ClinVar aggregate classification (germline): Uncertain significance (1 of 4 stars; one submission).

Conditions:
Inborn genetic diseases. Identifiers: MedGen C0950123, MeSH D030342.

Submission:

Ambry Genetics
Classification: Uncertain significance for Inborn genetic diseases. Last evaluated: 2026-03-04. Review status: criteria provided, single submitter. Criteria: Ambry Variant Classification Scheme 2023. Collection method: clinical testing. Allele origin: germline.
Comment: The p.P137L variant (also known as c.410C>T), located in coding exon 2 of the GATA2 gene, results from a C to T substitution at nucleotide position 410. The proline at codon 137 is replaced by leucine, an amino acid with similar properties. This amino acid position is well conserved in available vertebrate species. In addition, the in silico prediction for this alteration is inconclusive. Based on the available evidence, the clinical significance of this variant remains unclear.

NM_032638.5(GATA2):c.410C>T (p.Pro137Leu)

Gene: GATA2 (GATA binding protein 2; minus strand). Cytogenetic location: 3q21.3.
Variant type: single nucleotide variant.
Coding change: c.410C>T on transcript NM_032638.5 (MANE Select); coding-DNA position 410, C replaced by T.
Protein change: p.Pro137Leu; replaces proline 137 with leucine.
Molecular consequence: missense variant.
Genome position (GRCh38, 1-based): chr3:128,486,188, G>A on the plus strand (C>T on the coding strand, the complement: GATA2 is on the minus strand). VCF-style: chr3-128486188-G-A. GRCh37 (hg19) VCF-style: chr3-128205031-G-A.
Other names: c.410C>T, p.Pro137Leu (NM_001145661.2, NM_001145662.1); short protein forms P137L.
Identifiers: ClinVar variation 4826580 (VCV004826580.1).